The following is an entry in ClinVar:

ClinVar aggregate classification (germline): Likely benign (0 of 4 stars; one submission).

Conditions:
CLPTM1-related disorder. Also called: CLPTM1-related condition.

Allele frequency attached by ClinVar (database versions not stated): ESP Exome Variant Server 0.00085; 1000 Genomes Project 0.00100; 1000 Genomes Project 30x 0.00109.
gnomAD v4.1: 301 of 1,613,960 alleles (0.019%); highest among the groups gnomAD compares: African/African-American, 0.34%; 1 homozygote.

Submission:

PreventionGenetics, part of Exact Sciences
Classification: Likely benign for CLPTM1-related condition. Last evaluated: 2019-09-17. Review status: no assertion criteria provided. Collection method: clinical testing. Allele origin: germline.
Comment: This variant is classified as likely benign based on ACMG/AMP sequence variant interpretation guidelines (Richards et al. 2015 PMID: 25741868, with internal and published modifications).

NM_001294.4(CLPTM1):c.1770C>T (p.Val590=)

Gene: CLPTM1 (CLPTM1 regulator of GABA type A receptor forward trafficking; plus strand). Cytogenetic location: 19q13.32.
Variant type: single nucleotide variant.
Coding change: c.1770C>T on transcript NM_001294.4 (MANE Select); coding-DNA position 1770, C replaced by T.
Protein change: p.Val590=; no amino-acid change (valine 590 retained).
Molecular consequence: synonymous variant.
Genome position (GRCh38, 1-based): chr19:44,992,657, C>T. VCF-style: chr19-44992657-C-T. GRCh37 (hg19) VCF-style: chr19-45495915-C-T.
Other names: c.1728C>T, p.Val576= (NM_001282175.2); c.1464C>T, p.Val488= (NM_001282176.2).
Identifiers: ClinVar variation 3039789 (VCV003039789.2), dbSNP rs144871053, ClinGen allele CA9507297.
Genomic context (GRCh38, chr19:44,992,657, plus strand): 5'-CCACCCCTCTCCAGATGTGGTTTTCTTCATCTACCTCTACCAACGGTGGATCTACCGCGT[C>T]GACCCCACCCGAGTCAACGAGTTTGGCATGAGTGGAGAAGACCCCACAGCTGCCGCCCCC-3'
Protein context (NP_001285.1, residues 580-600): IYLYQRWIYR[Val590=]DPTRVNEFGM